The following is an entry in ClinVar:

ClinVar aggregate classification (germline): Pathogenic (1 of 4 stars; one submission).

Conditions:
Hereditary breast ovarian cancer syndrome. Also called: BRCA1- and BRCA2-Associated Hereditary Breast and Ovarian Cancer; Hereditary breast and ovarian cancer; Hereditary breast and ovarian cancer syndrome; Breast and ovarian cancer; Hereditary breast and/or ovarian cancer syndrome; Hereditary breast and ovarian cancer syndrome (HBOC). Identifiers: Orphanet 145, MedGen C0677776, MeSH D061325, MONDO:0003582. Disease mechanism: loss of function.

Submission:

Women's Health and Genetics/Laboratory Corporation of America, LabCorp
Classification: Pathogenic for Hereditary breast ovarian cancer syndrome. Last evaluated: 2024-09-05. Review status: criteria provided, single submitter. Criteria: LabCorp Variant Classification Summary - May 2015. Collection method: clinical testing. Allele origin: germline.
Comment: Variant summary: The variant involves the deletion of exon 3 in the BRCA2 gene. A presumed nomenclature of c.(67+1_68-1)_(316+1_317-1)del has been designated for the purposes of this classification. This Copy Number Variant (CNV) is predicted to result in an in-frame deletion within this gene, which is supported by RNA studies performed on patient derived samples (Muller_2011). The variant was absent in 21694 control chromosomes in the gnomAD database (Structural Variants v2.1 dataset). Deletions of exon 3 have been reported in the literature in individuals affected with Hereditary Breast And Ovarian Cancer Syndrome (Muller_2011, Jackson_2014, Heramb_2018, Apostolou_2020), including a family where the variant segregated with the disease (Muller_2011). These data indicate that the variant is likely to be associated with disease. Although deletion of exon 3 is reported as a naturally occurring BRCA2 splicing isoform (Muller_2011, Fackenthal_2016), it occurs in about ~6-10% of the transcripts (Muller_2011); deletion of exon 3 encompasses the PALB2-binding domain (Biswas_2011), and an in vitro expression study showed that cells expressing a smaller in-frame deletion within exon 3 (i.e. amino acids 25-40; involved in PALB2 binding) did not rescue ES cell lethality, suggesting that this protein region is functionally important (Biswas_2011). The following publications have been ascertained in the context of this evaluation (PMID: 21939546, 21719596, 17971607, 24522996, 27060066, 32022259, 29339979). ClinVar contains an entry for this variant (Variation ID: 583505). Based on the evidence outlined above, the variant was classified as pathogenic.

Literature cited by the submitters: PubMed 21939546; PubMed 21719596; PubMed 17971607; PubMed 24522996; PubMed 27060066; PubMed 29339979; PubMed 32022259.

NC_000013.10:g.(32890665_32893213)_(32893463_32899212)del

Gene: BRCA2 (BRCA2 DNA repair associated; plus strand). Cytogenetic location: 13q13.1.
Variant type: Deletion.
Identifiers: ClinVar variation 3375018 (VCV003375018.1).